The following is an entry in ClinVar:

ClinVar aggregate classification (germline): Uncertain significance (1 of 4 stars; one submission).

Submission:

Ambry Genetics
Classification: Uncertain significance. Last evaluated: 2022-11-20. Review status: criteria provided, single submitter. Criteria: Ambry Variant Classification Scheme 2023. Collection method: clinical testing. Allele origin: germline.
Comment: The p.N1662Y variant (also known as c.4984A>T), located in coding exon 38 of the PRKDC gene, results from an A to T substitution at nucleotide position 4984. The asparagine at codon 1662 is replaced by tyrosine, an amino acid with dissimilar properties. This amino acid position is conserved. In addition, the in silico prediction for this alteration is inconclusive. Since supporting evidence is limited at this time, the clinical significance of this alteration remains unclear.

NM_006904.7(PRKDC):c.4984A>T (p.Asn1662Tyr)

Gene: PRKDC (protein kinase, DNA-activated, catalytic subunit; minus strand). Cytogenetic location: 8q11.21.
Variant type: single nucleotide variant.
Coding change: c.4984A>T on transcript NM_006904.7 (MANE Select); coding-DNA position 4984, A replaced by T.
Protein change: p.Asn1662Tyr; replaces asparagine 1662 with tyrosine.
Molecular consequence: missense variant.
Genome position (GRCh38, 1-based): chr8:47,881,499, T>A on the plus strand (A>T on the coding strand, the complement: PRKDC is on the minus strand). VCF-style: chr8-47881499-T-A. GRCh37 (hg19) VCF-style: chr8-48794060-T-A.
Other names: c.4984A>T, p.Asn1662Tyr (NM_001081640.2); short protein forms N1662Y.
Identifiers: ClinVar variation 2497370 (VCV002497370.2), dbSNP rs2551872562, ClinGen allele CA371140054.
Genomic context (GRCh38, chr8:47,881,499, plus strand): 5'-TGTCAGCAAGTAGACTAATATATGTTGTAAAGACTTCAGGGAATGAACCATGACTTGTAT[T>A]AAAAGATACAGATGAATCAATCTAAAGGAAGGAAAAGAAAAACAGGACACATTTGTATAT-3'
Protein context (NP_008835.5, residues 1652-1672): ILQIDSSVSF[Asn1662Tyr]TSHGSFPEVF